The following is an entry in ClinVar:

NM_001384474.1(LOXHD1):c.3920C>G (p.Pro1307Arg)

Gene: LOXHD1 (lipoxygenase homology PLAT domains 1; minus strand). Cytogenetic location: 18q21.1.
Variant type: single nucleotide variant.
Coding change: c.3920C>G on transcript NM_001384474.1 (MANE Select); coding-DNA position 3920, C replaced by G.
Protein change: p.Pro1307Arg; replaces proline 1307 with arginine.
Molecular consequence: missense variant.
Genome position (GRCh38, 1-based): chr18:46,538,331, G>C on the plus strand (C>G on the coding strand, the complement: LOXHD1 is on the minus strand). VCF-style: chr18-46538331-G-C. GRCh37 (hg19) VCF-style: chr18-44118294-G-C.
Other names: c.587C>G, p.Pro196Arg (NM_001145472.3); c.299C>G, p.Pro100Arg (NM_001308013.2); c.3920C>G, p.Pro1307Arg (NM_144612.7); short protein forms P100R, P1307R, P196R.
Identifiers: ClinVar variation 1699725 (VCV001699725.3), dbSNP rs757545325, ClinGen allele CA299804913.

ClinVar aggregate classification (germline): Uncertain significance. Review status: criteria provided, multiple submitters, no conflicts (2 of 4 stars). 2 submissions from 2 submitters: Uncertain significance (2). Last evaluated 2022-01-20.

Allele frequency attached by ClinVar (database versions not stated): gnomAD 0.00001; gnomAD exomes 0.00001; TOPMed 0.00003.
gnomAD v4.1: 18 of 1,545,330 alleles (0.0012%); highest among the groups gnomAD compares: Non-Finnish European, 0.0015%; no homozygotes.

Submissions (2):

GeneDx
Classification: Uncertain significance. Last evaluated: 2022-01-20. Review status: criteria provided, single submitter. Criteria: GeneDx Variant Classification Process June 2021. Collection method: clinical testing. Allele origin: germline. Affected: yes.
Comment: Not observed at significant frequency in large population cohorts (gnomAD); In silico analysis supports that this missense variant has a deleterious effect on protein structure/function; Has not been previously published as pathogenic or benign to our knowledge

Labcorp Genetics (formerly Invitae), Labcorp
Classification: Uncertain significance. Last evaluated: 2021-08-24. Review status: criteria provided, single submitter. Criteria: Invitae Variant Classification Sherloc (09022015). Collection method: clinical testing. Allele origin: germline.
Comment: This sequence change replaces proline with arginine at codon 1307 of the LOXHD1 protein (p.Pro1307Arg). The proline residue is highly conserved and there is a moderate physicochemical difference between proline and arginine. This variant is not present in population databases (ExAC no frequency). This variant has not been reported in the literature in individuals affected with LOXHD1-related conditions. Algorithms developed to predict the effect of missense changes on protein structure and function (SIFT, PolyPhen-2, Align-GVGD) all suggest that this variant is likely to be disruptive. In summary, the available evidence is currently insufficient to determine the role of this variant in disease. Therefore, it has been classified as a Variant of Uncertain Significance.